The following is an entry in ClinVar:

NM_001005242.3(PKP2):c.1378G>A (p.Gly460Ser)

Gene: PKP2 (plakophilin 2; minus strand). Cytogenetic location: 12p11.21.
Variant type: single nucleotide variant.
Coding change: c.1378G>A on transcript NM_001005242.3 (MANE Select); coding-DNA position 1378, G replaced by A.
Protein change: p.Gly460Ser; replaces glycine 460 with serine.
Molecular consequence: missense variant.
Genome position (GRCh38, 1-based): chr12:32,850,766, C>T on the plus strand (G>A on the coding strand, the complement: PKP2 is on the minus strand). VCF-style: chr12-32850766-C-T. GRCh37 (hg19) VCF-style: chr12-33003700-C-T.
Other names: c.1378G>A, p.Gly460Ser (NM_001407155.1, NM_001407156.1, NM_001407161.1); c.1378G>A, p.Asp460Asn (NM_001407157.1, NM_004572.4); c.1051G>A, p.Gly351Ser (NM_001407158.1, NM_001407159.1, NM_001407162.1 and 1 more transcripts); short protein forms D460N, G351S, G460S.
Identifiers: ClinVar variation 3076074 (VCV003076074.1), dbSNP rs794729106, ClinGen allele CA384369472.

ClinVar aggregate classification (germline): Likely pathogenic. Review status: criteria provided, multiple submitters, no conflicts (2 of 4 stars). 2 submissions from 2 submitters: Likely pathogenic (2). Last evaluated 2026-01-07.

Conditions:
Arrhythmogenic right ventricular dysplasia 9 (ARVD9). Also called: Arrhythmogenic Right Ventricular Dysplasia/Cardiomyopathy 9; ARRHYTHMOGENIC RIGHT VENTRICULAR DYSPLASIA, FAMILIAL, 9. Identifiers: MedGen C1836906, MONDO:0012180, OMIM 609040.
Arrhythmogenic right ventricular cardiomyopathy (ARVD). Also called: Arrhythmogenic right ventricular dysplasia; Cardiomyopathy, ARVC; Arrhythmogenic cardiomyopathy; Arrhythmogenic Right Ventricular Cardiomyopathy (ARVC). Identifiers: Orphanet 247, MedGen C0349788, MeSH D019571, MONDO:0016587. Disease mechanism: loss of function. Inheritance: Various modes of inheritance.

Allele frequency attached by ClinVar (database versions not stated): TOPMed below 0.00001; gnomAD 0.00001; gnomAD exomes below 0.00001.
gnomAD v4.1: 2 of 1,610,192 alleles (0.00012%); highest among the groups gnomAD compares: Non-Finnish European, 0.00017%; no homozygotes.

Submissions (2):

Variantyx, Inc.
Classification: Likely pathogenic for Arrhythmogenic right ventricular dysplasia 9. Last evaluated: 2026-01-07. Review status: criteria provided, single submitter. Criteria: Variantyx Assertion Criteria 2022. Collection method: clinical testing. Allele origin: germline. Inheritance: Autosomal dominant inheritance. Affected: yes.
Comment: This is a nonsynonymous variant in the PKP2 gene (OMIM: 602861). Pathogenic variants in this gene have been associated with autosomal dominant arrhythmogenic right ventricular dysplasia 9. This variant is expected to cause abnormal splicing and result in loss of function, which is a known disease mechanism for PKP2 in this disorder (PMID: 25087486; 25087486) (PVS1). It has been reported in at least 5 unrelated affected individuals (PMID: 25087486, 31386562) (PS4_Moderate) and it has a 0.0002% maximum allele frequency in non-founder control populations (PM2). Based on the current evidence, this variant is classified as likely pathogenic for autosomal dominant arrhythmogenic right ventricular dysplasia 9.

Laboratory for Molecular Medicine, Mass General Brigham Personalized Medicine
Classification: Likely pathogenic for Arrhythmogenic right ventricular cardiomyopathy. Last evaluated: 2018-07-16. Review status: criteria provided, single submitter. Criteria: ACMG Guidelines, 2015. Collection method: clinical testing. Allele origin: germline. Inheritance: Autosomal dominant inheritance.
Comment: The p.Asp460Asn variant in PKP2 has been reported in at least 5 individuals with ARVC and segregated with disease in 2 affected relatives from 2 families (La Gerche 2010, Cox 2011, Munoz Calero 2012, Alcalde 2014, Groeneweg 2014). It was absent from large population studies. This variant is located in the last base of exon 5, which is part of the 5’ splice region. RNA studies and computational tools suggest an impact to splicing by activating a cryptic splice site, resulting in an out-of-frame transcript that is likely degraded by NMD (Groeneweg 2014). In summary, although additional studies are required to fully establish its clinical significance, the p.Asp460Asn variant is likely pathogenic. ACMG/AMP Criteria applied: PM2, PM4, PS3_Supporting, PS4_Supporting.

Literature cited by the submitters: PubMed 25087486 (cited by Variantyx, Inc. and Laboratory for Molecular Medicine, Mass General Brigham Personalized Medicine); PubMed 31386562 (cited by Variantyx, Inc.); PubMed 20525856 (cited by Laboratory for Molecular Medicine, Mass General Brigham Personalized Medicine); PubMed 24967631 (cited by Laboratory for Molecular Medicine, Mass General Brigham Personalized Medicine); PubMed 21606396 (cited by Laboratory for Molecular Medicine, Mass General Brigham Personalized Medicine).